The following is an entry in ClinVar:

NM_001759.4(CCND2):c.808A>T (p.Lys270Ter)

Gene: CCND2 (cyclin D2; plus strand). Cytogenetic location: 12p13.32.
Variant type: single nucleotide variant.
Coding change: c.808A>T on transcript NM_001759.4 (MANE Select); coding-DNA position 808, A replaced by T.
Protein change: p.Lys270Ter; replaces lysine 270 with a stop codon.
Molecular consequence: nonsense.
Genome position (GRCh38, 1-based): chr12:4,299,947, A>T. VCF-style: chr12-4299947-A-T. GRCh37 (hg19) VCF-style: chr12-4409113-A-T.
Other names: short protein forms K270*.
Identifiers: ClinVar variation 143982 (VCV000143982.5), dbSNP rs587777619, ClinGen allele CA170549.

ClinVar aggregate classification (germline): Pathogenic. Review status: criteria provided, single submitter (1 of 4 stars). 3 submissions from 3 submitters: Pathogenic (1). 2 of the submissions do not count toward it. Last evaluated 2023-07-16.

Conditions:
Megalencephaly-polymicrogyria-polydactyly-hydrocephalus syndrome 3 (MPPH3). Identifiers: Orphanet 83473, MedGen C4014742, MONDO:0014408, OMIM 615938.

Submissions (3):

Victorian Clinical Genetics Services, Murdoch Childrens Research Institute
Classification: Pathogenic for Megalencephaly-polymicrogyria-polydactyly-hydrocephalus syndrome 3. Last evaluated: 2023-07-16. Review status: criteria provided, single submitter. Criteria: ACMG Guidelines, 2015. Collection method: clinical testing. Allele origin: germline. Inheritance: Autosomal dominant inheritance. Affected: yes.
Comment: Based on the classification scheme VCGS_Germline_v1.3.4, this variant is classified as Pathogenic. Following criteria are met: 0101 - Gain of function is a known mechanism of disease in this gene and is associated with Megalencephaly-polymicrogyria-polydactyly-hydrocephalus syndrome (MIM#615938) (PMID: 24705253). (I) 0107 - This gene is associated with autosomal dominant disease. (I) 0205 - Variant is predicted to result in a truncated protein (premature termination codon is NOT located at least 54 nucleotides upstream of the final exon-exon junction) with less than 1/3 of the protein sequence affected. (SP) 0251 - This variant is heterozygous. (I) 0301 - Variant is absent from gnomAD (both v2 and v3). (SP) 0600 - Variant truncates a small part of the cyclin C-terminal domain (Decipher). (I) 0703 - Two other downstream truncating variants comparable to the one identified in this case have moderate previous evidence for pathogenicity (ClinVar). (SP) 0801 - This variant has strong previous evidence of pathogenicity in unrelated individuals. This variant has been reported in two de novo individuals with Megalencephaly-polymicrogyria-polydactyly-hydrocephalus syndrome (PMID: 24705253). (SP) 0905 - No published segregation evidence has been identified for this variant. (I) 1208 - Inheritance information for this variant is not currently available in this individual. (I) Legend: (SP) - Supporting pathogenic, (I) - Information, (SB) - Supporting benign

OMIM
Classification: Pathogenic for MEGALENCEPHALY-POLYMICROGYRIA-POLYDACTYLY-HYDROCEPHALUS SYNDROME 3. Last evaluated: 2014-05-01. Review status: no assertion criteria provided. Collection method: literature only. Allele origin: germline. Not counted in ClinVar's aggregate classification.

GeneReviews
No classification provided. Condition: Megalencephaly-polymicrogyria-polydactyly-hydrocephalus syndrome 3. Review status: no classification provided. Collection method: literature only. Allele origin: germline. Affected: yes. Not counted in ClinVar's aggregate classification.

Literature cited by the submitters: PubMed 24705253 (cited by Victorian Clinical Genetics Services, Murdoch Childrens Research Institute and OMIM); NCBI Bookshelf NBK396098 (cited by GeneReviews).